The following is an entry in ClinVar:

ClinVar aggregate classification (germline): Uncertain significance (1 of 4 stars; one submission).

Conditions:
FOXF2-related disorder. Also called: FOXF2-related condition.

Submission:

PreventionGenetics, part of Exact Sciences
Classification: Uncertain significance for FOXF2-related condition. Last evaluated: 2025-11-16. Review status: criteria provided, single submitter. Criteria: ACMG Guidelines, 2015. Collection method: clinical testing. Allele origin: germline.
Comment: The FOXF2 c.811_816dup6 variant is predicted to result in an in-frame duplication (p.His271_His272dup). To our knowledge, this variant has not been reported in the literature or in a large population database (gnomAD), indicating this variant is rare. At this time, the clinical significance of this variant is uncertain due to the absence of conclusive functional and genetic evidence.

NM_001452.2(FOXF2):c.796CAC[9] (p.His272_Val273insHisHis)

Genes: FOXF2 (forkhead box F2; plus strand), FOXF2-DT (FOXF2 divergent transcript; minus strand). Cytogenetic location: 6p25.3.
Variant type: Microsatellite.
Coding change: c.796CAC[9] on transcript NM_001452.2 (MANE Select); nine copies in a row of the 3-base unit CAC starting at c.796; the reference has seven copies in a row; two copies, 6 bases duplicated.
Protein change: p.His272_Val273insHisHis.
Molecular consequence: inframe insertion.
Genome position (GRCh38, 1-based): chr6:1,390,758-1,390,763, CACCAC duplicated; duplicating any 6 consecutive bases within chr6:1,390,743-1,390,763 gives the same sequence; the position shown is the placement nearest the transcript's 3' end. VCF-style (leftmost placement, unchanged base first): chr6-1390742-T-TCACCAC. GRCh37 (hg19) VCF-style: chr6-1390977-T-TCACCAC.
Identifiers: ClinVar variation 4979016 (VCV004979016.1).